The following is an entry in ClinVar:

NM_000136.3(FANCC):c.670A>G (p.Asn224Asp)

Genes: AOPEP (aminopeptidase O (putative); plus strand), FANCC (FA complementation group C; minus strand). Cytogenetic location: 9q22.32.
Variant type: single nucleotide variant.
Coding change: c.670A>G on transcript NM_000136.3 (MANE Select); coding-DNA position 670, A replaced by G.
Protein change: p.Asn224Asp; replaces asparagine 224 with aspartic acid.
Molecular consequence: missense variant.
Genome position (GRCh38, 1-based): chr9:95,149,939, T>C on the plus strand (A>G on the coding strand, the complement: FANCC is on the minus strand). VCF-style: chr9-95149939-T-C. GRCh37 (hg19) VCF-style: chr9-97912221-T-C.
Other names: c.670A>G, p.Asn224Asp (NM_001243743.2, NM_001243744.2); short protein forms N224D.
Identifiers: ClinVar variation 1703365 (VCV001703365.3), dbSNP rs2541695937, ClinGen allele CA374109543.

ClinVar aggregate classification (germline): Uncertain significance (1 of 4 stars; one submission).

Submission:

GeneDx
Classification: Uncertain significance. Last evaluated: 2024-06-18. Review status: criteria provided, single submitter. Criteria: GeneDx Variant Classification Process June 2021. Collection method: clinical testing. Allele origin: germline.
Comment: Not observed at significant frequency in large population cohorts (gnomAD); In silico analysis supports that this missense variant has a deleterious effect on protein structure/function; Has not been previously published as pathogenic or benign to our knowledge; This variant is associated with the following publications: (PMID: Gordon2000[Book])